The following is an entry in ClinVar:

ClinVar aggregate classification (germline): Uncertain significance. Review status: criteria provided, multiple submitters, no conflicts (2 of 4 stars). 2 submissions from 2 submitters: Uncertain significance (2). Last evaluated 2024-02-25.

Conditions:
Familial cancer of breast. Also called: BREAST CANCER, FAMILIAL; hereditary breast carcinoma; Hereditary breast cancer. Identifiers: Orphanet 227535, MedGen C0346153, MONDO:0016419, OMIM 114480. Disease mechanism: loss of function.
Ataxia-telangiectasia syndrome (AT). Also called: ATAXIA-TELANGIECTASIA, COMPLEMENTATION GROUP A; ATAXIA-TELANGIECTASIA, FRESNO VARIANT; LOUIS-BAR SYNDROME; Ataxia-telangiectasia, complementation group D; Ataxia-telangiectasia, complementation group E; Cerebello-oculocutaneous telangiectasia. Identifiers: Orphanet 100, MedGen C0004135, MONDO:0008840, OMIM 208900.

Submissions (2):

Labcorp Genetics (formerly Invitae), Labcorp
Classification: Uncertain significance for Ataxia-telangiectasia syndrome. Last evaluated: 2024-02-25. Review status: criteria provided, single submitter. Criteria: Invitae Variant Classification Sherloc (09022015). Collection method: clinical testing. Allele origin: germline.
Comment: This sequence change replaces leucine, which is neutral and non-polar, with valine, which is neutral and non-polar, at codon 782 of the ATM protein (p.Leu782Val). This variant is not present in population databases (gnomAD no frequency). This variant has not been reported in the literature in individuals affected with ATM-related conditions. An algorithm developed to predict the effect of missense changes on protein structure and function (PolyPhen-2) suggests that this variant is likely to be tolerated. Algorithms developed to predict the effect of sequence changes on RNA splicing suggest that this variant may disrupt the consensus splice site. In summary, the available evidence is currently insufficient to determine the role of this variant in disease. Therefore, it has been classified as a Variant of Uncertain Significance.

Department of Pathology and Laboratory Medicine, Sinai Health System
Classification: Uncertain significance for Familial cancer of breast. Last evaluated: 2023-05-08. Review status: criteria provided, single submitter. Criteria: ACMG Guidelines, 2015. Collection method: clinical testing. Allele origin: germline. Affected: yes.

NM_000051.4(ATM):c.2344C>G (p.Leu782Val)

Gene: ATM (ATM serine/threonine kinase; plus strand). Cytogenetic location: 11q22.3.
Variant type: single nucleotide variant.
Coding change: c.2344C>G on transcript NM_000051.4 (MANE Select); coding-DNA position 2344, C replaced by G.
Protein change: p.Leu782Val; replaces leucine 782 with valine.
Molecular consequence: missense variant.
Genome position (GRCh38, 1-based): chr11:108,257,574, C>G. VCF-style: chr11-108257574-C-G. GRCh37 (hg19) VCF-style: chr11-108128301-C-G.
Other names: c.2344C>G, p.Leu782Val (NM_001351834.2); short protein forms L782V.
Identifiers: ClinVar variation 3643169 (VCV003643169.3).